The following is an entry in ClinVar:

ClinVar aggregate classification (germline): Likely pathogenic. Review status: criteria provided, multiple submitters, no conflicts (2 of 4 stars). 2 submissions from 2 submitters: Likely pathogenic (2). Last evaluated 2021-05-13.

Conditions:
Congenital disorder of glycosylation type 1E (CDG1E). Also called: CONGENITAL DISORDER OF GLYCOSYLATION, TYPE Ie; CDG Ie. Identifiers: Orphanet 79322, MedGen C1837396, MONDO:0012123, OMIM 608799.

Allele frequency attached by ClinVar (database versions not stated): gnomAD exomes below 0.00001.
gnomAD v4.1: 1 of 1,613,440 alleles (0.000062%); highest among the groups gnomAD compares: Non-Finnish European, 0.000085%; no homozygotes.

Submissions (2):

Genetics and Prenatal Diagnosis Center, The First Affiliated Hospital of Zhengzhou University
Classification: Likely pathogenic for Congenital disorder of glycosylation type 1E. Last evaluated: 2021-05-13. Review status: criteria provided, single submitter. Criteria: ACMG Guidelines, 2015. Collection method: clinical testing. Allele origin: germline. Affected: yes.

Breakthrough Genomics
Classification: Likely pathogenic for Congenital disorder of glycosylation type 1E. Last evaluated: 2020-09-23. Review status: criteria provided, single submitter. Criteria: ACMG Guidelines, 2015. Collection method: clinical testing. Allele origin: germline. Affected: yes.
Comment: This variant lies in essential splice donor site in exon 4 of the DPM1 gene and alters a conserved residue in the protein. The variant lies in glycosyltransferase 2-like domain of the protein [UniProt] and predicted to be damaging by in-silico missense prediction tools (SIFT and Polyphen2). The variant seems to be a novel variant, as it has not been previously reported in population or public databases or in the literature.

NM_003859.3(DPM1):c.371A>G (p.His124Arg)

Gene: DPM1 (dolichyl-phosphate mannosyltransferase subunit 1, catalytic; minus strand). Cytogenetic location: 20q13.13.
Variant type: single nucleotide variant.
Coding change: c.371A>G on transcript NM_003859.3 (MANE Select); coding-DNA position 371, A replaced by G.
Protein change: p.His124Arg; replaces histidine 124 with arginine.
Molecular consequence: missense variant. On other transcripts: non-coding transcript variant (1).
Genome position (GRCh38, 1-based): chr20:50,945,848, T>C on the plus strand (A>G on the coding strand, the complement: DPM1 is on the minus strand). VCF-style: chr20-50945848-T-C. GRCh37 (hg19) VCF-style: chr20-49562385-T-C.
Other names: p.His124Arg; c.371A>G (NM_003859.1); c.371A>G, p.His124Arg (NM_001317034.1, NM_001317035.1, NM_001317036.1); short protein forms H124R.
Identifiers: ClinVar variation 1098270 (VCV001098270.3), dbSNP rs2123115725, ClinGen allele CA408989635.